The following is an entry in ClinVar:

NM_005902.4(SMAD3):c.1175C>A (p.Thr392Asn)

Gene: SMAD3 (SMAD family member 3; plus strand). Cytogenetic location: 15q22.33.
Variant type: single nucleotide variant.
Coding change: c.1175C>A on transcript NM_005902.4 (MANE Select); coding-DNA position 1175, C replaced by A.
Protein change: p.Thr392Asn; replaces threonine 392 with asparagine.
Molecular consequence: missense variant.
Genome position (GRCh38, 1-based): chr15:67,190,433, C>A. VCF-style: chr15-67190433-C-A. GRCh37 (hg19) VCF-style: chr15-67482771-C-A.
Other names: c.860C>A, p.Thr287Asn (NM_001145102.2); c.1043C>A, p.Thr348Asn (NM_001145103.2); c.590C>A, p.Thr197Asn (NM_001145104.2); short protein forms T392N, T287N, T197N, T348N.
Identifiers: ClinVar variation 543890 (VCV000543890.9), dbSNP rs1555414486, ClinGen allele CA392958682.

ClinVar aggregate classification (germline): Uncertain significance. Review status: criteria provided, multiple submitters, no conflicts (2 of 4 stars). 2 submissions from 2 submitters: Uncertain significance (2). Last evaluated 2025-04-09.

Conditions:
Familial thoracic aortic aneurysm and aortic dissection (TAAD). Also called: Thoracic aortic aneurysms and dissections. Identifiers: Orphanet 91387, MedGen C4707243, MONDO:0019625.
Cardiovascular phenotype. Identifiers: MedGen CN230736.

Submissions (2):

Molecular Diagnostic Laboratory for Inherited Cardiovascular Disease, Montreal Heart Institute
Classification: Uncertain significance for Cardiovascular phenotype. Last evaluated: 2025-04-09. Review status: criteria provided, single submitter. Criteria: ACMG Guidelines, 2015. Collection method: clinical testing. Allele origin: germline. Affected: yes.

Labcorp Genetics (formerly Invitae), Labcorp
Classification: Uncertain significance for Familial thoracic aortic aneurysm and aortic dissection. Last evaluated: 2017-10-05. Review status: criteria provided, single submitter. Criteria: Invitae Variant Classification Sherloc (09022015). Collection method: clinical testing. Allele origin: germline.
Comment: This sequence change replaces threonine with asparagine at codon 392 of the SMAD3 protein (p.Thr392Asn). The threonine residue is highly conserved and there is a small physicochemical difference between threonine and asparagine. This variant is not present in population databases (ExAC no frequency). This variant has not been reported in the literature in individuals with SMAD3-related disease. Algorithms developed to predict the effect of missense changes on protein structure and function do not agree on the potential impact of this missense change (SIFT: "Deleterious"; PolyPhen-2: "Probably Damaging"; Align-GVGD: "Class C0"). In summary, the available evidence is currently insufficient to determine the role of this variant in disease. Therefore, it has been classified as a Variant of Uncertain Significance.